The following is an entry in ClinVar:

NM_004629.2(FANCG):c.1860T>G (p.Cys620Trp)

Gene: FANCG (FA complementation group G; minus strand). Cytogenetic location: 9p13.3.
Variant type: single nucleotide variant.
Coding change: c.1860T>G on transcript NM_004629.2 (MANE Select); coding-DNA position 1860, T replaced by G.
Protein change: p.Cys620Trp; replaces cysteine 620 with tryptophan.
Molecular consequence: missense variant.
Genome position (GRCh38, 1-based): chr9:35,074,117, A>C on the plus strand (T>G on the coding strand, the complement: FANCG is on the minus strand). VCF-style: chr9-35074117-A-C. GRCh37 (hg19) VCF-style: chr9-35074114-A-C.
Other names: short protein forms C620W.
Identifiers: ClinVar variation 4022567 (VCV004022567.2).

ClinVar aggregate classification (germline): Uncertain significance (1 of 4 stars; one submission).

Conditions:
Inborn genetic diseases. Identifiers: MedGen C0950123, MeSH D030342.

Submission:

Ambry Genetics
Classification: Uncertain significance for Inborn genetic diseases. Last evaluated: 2025-07-12. Review status: criteria provided, single submitter. Criteria: Ambry Variant Classification Scheme 2023. Collection method: clinical testing. Allele origin: germline.
Comment: The p.C620W variant (also known as c.1860T>G), located in coding exon 14 of the FANCG gene, results from a T to G substitution at nucleotide position 1860. The cysteine at codon 620 is replaced by tryptophan, an amino acid with highly dissimilar properties. This amino acid position is conserved. In addition, this alteration is predicted to be tolerated by in silico analysis. Based on the available evidence, the clinical significance of this variant remains unclear.